The following is an entry in ClinVar:

NM_000054.7(AVPR2):c.541C>T (p.Arg181Cys)

Gene: AVPR2 (arginine vasopressin receptor 2; plus strand). Cytogenetic location: Xq28.
Variant type: single nucleotide variant.
Coding change: c.541C>T on transcript NM_000054.7 (MANE Select); coding-DNA position 541, C replaced by T.
Protein change: p.Arg181Cys; replaces arginine 181 with cysteine.
Molecular consequence: missense variant. On other transcripts: non-coding transcript variant (1).
Genome position (GRCh38, 1-based): chrX:153,906,047, C>T. VCF-style: chrX-153906047-C-T. GRCh37 (hg19) VCF-style: chrX-153171501-C-T.
Other names: c.541C>T, p.Arg181Cys (NM_001146151.3); short protein forms R181C.
Identifiers: ClinVar variation 10850 (VCV000010850.10), dbSNP rs104894757, ClinGen allele CA255576.

ClinVar aggregate classification (germline): Pathogenic. Review status: criteria provided, multiple submitters, no conflicts (2 of 4 stars). 6 submissions from 6 submitters: Pathogenic (5). 1 of the submissions does not count toward it. Last evaluated 2025-12-31.

Conditions:
Diabetes insipidus, nephrogenic, X-linked. Also called: Nephrogenic Diabetes Insipidus, Type I. Identifiers: Orphanet 223, MedGen C1563705, MONDO:0010581, OMIM 304800.

Allele frequency attached by ClinVar (database versions not stated): gnomAD exomes below 0.00001.

Submissions (6):

Labcorp Genetics (formerly Invitae), Labcorp
Classification: Pathogenic. Last evaluated: 2025-12-31. Review status: criteria provided, single submitter. Criteria: Invitae Variant Classification Sherloc (09022015). Collection method: clinical testing. Allele origin: germline.
Comment: This sequence change replaces arginine, which is basic and polar, with cysteine, which is neutral and slightly polar, at codon 181 of the AVPR2 protein (p.Arg181Cys). The frequency data for this variant in the population databases is considered unreliable, as metrics indicate poor data quality at this position in the gnomAD database. This missense change has been observed in individual(s) with nephrogenic diabetes insipidus (NDI) (PMID: 1303257, 9711877, 34101133, 34839503, 35028265). In at least one individual the variant was observed to be de novo. ClinVar contains an entry for this variant (Variation ID: 10850). Invitae Evidence Modeling of protein sequence and biophysical properties (such as structural, functional, and spatial information, amino acid conservation, physicochemical variation, residue mobility, and thermodynamic stability) indicates that this missense variant is not expected to disrupt AVPR2 protein function with a negative predictive value of 80%. Experimental studies have shown that this missense change affects AVPR2 function (PMID: 9711877, 23762448). For these reasons, this variant has been classified as Pathogenic.

GeneDx
Classification: Pathogenic. Last evaluated: 2025-12-08. Review status: criteria provided, single submitter. Criteria: GeneDx Variant Classification Process June 2021. Collection method: clinical testing. Allele origin: germline. Affected: yes.
Comment: In silico analysis supports that this missense variant has a deleterious effect on protein structure/function; Not observed at significant frequency in large population cohorts (gnomAD); This variant is associated with the following publications: (PMID: 20389105, 10644689, 1303257, 34839503, 23762448, 27355191, 9711877, 34101133, 16825342, 33392325, 8766931, 8037205, 18726898, 24030030, 1357965, 35028265)

Genetics and Genomic Medicine Centre, NeuroGen Healthcare, NeuroGen Healthcare
Classification: Pathogenic for Diabetes insipidus, nephrogenic, X-linked. Last evaluated: 2025-05-24. Review status: criteria provided, single submitter. Criteria: ACMG Guidelines, 2015. Collection method: clinical testing. Allele origin: unknown. Affected: yes.

ARUP Laboratories, Molecular Genetics and Genomics, ARUP Laboratories
Classification: Pathogenic. Last evaluated: 2023-11-28. Review status: criteria provided, single submitter. Criteria: ARUP Molecular Germline Variant Investigation Process 2024. Collection method: clinical testing. Allele origin: germline.
Comment: The AVPR2 c.541C>T; p.Arg181Cys variant (rs104894757) is reported in the literature in several individuals affected with X-linked nephrogenic diabetes insipidus (Pan 1992, Sahakitrungruang 2010, Schoneberg 1998, Shelihan 2021). This variant is also reported in ClinVar (Variation ID: 10850). This variant is only observed on one allele in the Genome Aggregation Database (v2.1.1), indicating it is not a common polymorphism, but is considered a low confidence variant in the database. Computational analyses are uncertain whether this variant is neutral or deleterious (REVEL: 0.639). Functional studies demonstrate that this variant leads to abnormal protein function (Armstrong 2013, Sahakitrungruang 2010, Schoneberg 1998). Based on available information, this variant is considered to be pathogenic. References: Armstrong SP et al. Characterization of three vasopressin receptor 2 variants: an apparent polymorphism (V266A) and two loss-of-function mutations (R181C and M311V). PLoS One. 2013 Jun 6;8(6):e65885. PMID: 23762448. Pan Y et al. Mutations in the V2 vasopressin receptor gene are associated with X-linked nephrogenic diabetes insipidus. Nat Genet. 1992 Oct;2(2):103-6. PMID: 1303257. Sahakitrungruang T et al. Functional characterization of vasopressin receptor 2 mutations causing partial and complete congenital nephrogenic diabetes insipidus in Thai families. Horm Res Paediatr. 2010;73(5):349-54. PMID: 20389105. Schoneberg T et al. V2 vasopressin receptor dysfunction in nephrogenic diabetes insipidus caused by different molecular mechanisms. Hum Mutat. 1998;12(3):196-205. PMID: 9711877. Shelihan I et al. Infantile onset carnitine palmitoyltransferase 2 deficiency: Cortical polymicrogyria, schizencephaly, and gray matter heterotopias in an adolescent with normal development. JIMD Rep. 2021 Sep 29;63(1):3-10. PMID: 35028265.

Victorian Clinical Genetics Services, Murdoch Childrens Research Institute
Classification: Pathogenic for Diabetes insipidus, nephrogenic, X-linked. Last evaluated: 2020-04-09. Review status: criteria provided, single submitter. Criteria: ACMG Guidelines, 2015. Collection method: clinical testing. Allele origin: germline. Inheritance: X-linked recessive inheritance. Affected: yes.
Comment: Based on the classification scheme VCGS_Germline_v1.1.1, this variant is classified as Pathogenic. Following criteria are met: 0103 - Both loss- and gain-of-function are known mechanisms of disease for this gene. (N) 0109 - This gene is known to be associated with X-linked recessive disease. (N) 0200 - Variant is predicted to result in a missense amino acid change from an arginine to a cysteine (exon 3). (N) 0253 - Variant is hemizygous. (N) 0304 - Variant is present in gnomAD <0.01 for a recessive condition (1 heterozygote, 0 homozygotes, 0 hemizygotes). (P) 0309 - An alternative amino acid change at the same position has been observed in gnomAD (48 heterozygotes, 0 homozygotes, 12 hemizygotes). (N) 0502 - Missense variant with conflicting in silico predictions and/or uninformative conservation. (N) 0600 - Variant is located in an annotated domain or motif (extracellular region of the 7tm vasopressin receptor 2 super family; NCBI, PDB, Decipher) (N) 0705 - No comparable variants have previous evidence for pathogenicity. (N) 0801 - Strong previous evidence of pathogenicity in unrelated individuals (ClinVar, Spanakis, E., et al. (2008), Bichet, D., et al. (1994)) (P) 1001 - Strong functional evidence supporting abnormal protein function (Tiulpakov, A., et al. (2016), Armstrong, S., et al. (2013)) (P) 1208 - Inheritance information for this variant is not currently available. (N) Legend: (P) - Pathogenic, (N) - Neutral, (B) - Benign

OMIM
Classification: Pathogenic for DIABETES INSIPIDUS, NEPHROGENIC, 1, X-LINKED. Last evaluated: 1998-01-01. Review status: no assertion criteria provided. Collection method: literature only. Allele origin: germline. Not counted in ClinVar's aggregate classification.

Literature cited by the submitters: PubMed 1303257 (cited by Labcorp Genetics (formerly Invitae), Labcorp and OMIM); PubMed 9711877 (cited by Labcorp Genetics (formerly Invitae), Labcorp and OMIM); PubMed 34101133 (cited by Labcorp Genetics (formerly Invitae), Labcorp); PubMed 34839503 (cited by Labcorp Genetics (formerly Invitae), Labcorp); PubMed 35028265 (cited by Labcorp Genetics (formerly Invitae), Labcorp); PubMed 23762448 (cited by Labcorp Genetics (formerly Invitae), Labcorp and Victorian Clinical Genetics Services, Murdoch Childrens Research Institute); PubMed 8037205 (cited by Victorian Clinical Genetics Services, Murdoch Childrens Research Institute); PubMed 18726898 (cited by Victorian Clinical Genetics Services, Murdoch Childrens Research Institute); PubMed 27355191 (cited by Victorian Clinical Genetics Services, Murdoch Childrens Research Institute).